The following is an entry in ClinVar:

NM_016011.5(MECR):c.363G>A (p.Gly121=)

Gene: MECR (mitochondrial trans-2-enoyl-CoA reductase; minus strand). Cytogenetic location: 1p35.3.
Variant type: single nucleotide variant.
Coding change: c.363G>A on transcript NM_016011.5 (MANE Select); coding-DNA position 363, G replaced by A.
Protein change: p.Gly121=; no amino-acid change (glycine 121 retained).
Molecular consequence: synonymous variant. On other transcripts: non-coding transcript variant (4).
Genome position (GRCh38, 1-based): chr1:29,216,048, C>T on the plus strand (G>A on the coding strand, the complement: MECR is on the minus strand). VCF-style: chr1-29216048-C-T. GRCh37 (hg19) VCF-style: chr1-29542560-C-T.
Other names: c.135G>A, p.Gly45= (NM_001024732.4, NM_001349711.2, NM_001349712.2 and 2 more transcripts); c.468G>A, p.Gly156= (NM_001349715.2); c.447G>A, p.Gly149= (NM_001349716.2); c.213G>A, p.Gly71= (NM_001349717.2); c.363G>A (NM_016011.3).
Identifiers: ClinVar variation 2179119 (VCV002179119.7), dbSNP rs778628351, ClinGen allele CA725824.
Genomic context (GRCh38, chr1:29,216,048, plus strand): 5'-CACCTGGAGAAACTCACCTAAACCAGCATTTGCTGGAATCACCCAGTCTCCTGGCTTCAG[C>T]CCGGTCACATTGCTGCCCACCGCTACCACCTGTGCAACACCTTCGTTCCCTCCAACAGCA-3'
Protein context (NP_057095.4, residues 111-131): QVVAVGSNVT[Gly121=]LKPGDWVIPA

ClinVar aggregate classification (germline): Likely benign. Review status: criteria provided, multiple submitters, no conflicts (2 of 4 stars). 3 submissions from 3 submitters: Likely benign (2). 1 of the submissions does not count toward it. Last evaluated 2026-07-01.

Conditions:
MECR-related disorder. Also called: MECR-related condition.

Allele frequency attached by ClinVar (database versions not stated): ExAC 0.00017; gnomAD exomes 0.00005; gnomAD 0.00007; TOPMed 0.00012.
gnomAD v4.1: 81 of 1,614,002 alleles (0.005%); highest among the groups gnomAD compares: Admixed American, 0.14%; 1 homozygote.

Submissions (3):

CeGaT Center for Human Genetics Tuebingen
Classification: Likely benign. Last evaluated: 2026-07-01. Review status: criteria provided, single submitter. Criteria: CeGaT Center For Human Genetics Tuebingen Variant Classification Criteria Version 2. Collection method: clinical testing. Allele origin: germline. Affected: yes. Observed: 1 variant allele.
Comment: MECR: BP4, BP7

Labcorp Genetics (formerly Invitae), Labcorp
Classification: Likely benign. Last evaluated: 2025-12-09. Review status: criteria provided, single submitter. Criteria: Invitae Variant Classification Sherloc (09022015). Collection method: clinical testing. Allele origin: germline.

PreventionGenetics, part of Exact Sciences
Classification: Likely benign for MECR-related condition. Last evaluated: 2019-09-05. Review status: no assertion criteria provided. Collection method: clinical testing. Allele origin: germline. Not counted in ClinVar's aggregate classification.
Comment: This variant is classified as likely benign based on ACMG/AMP sequence variant interpretation guidelines (Richards et al. 2015 PMID: 25741868, with internal and published modifications).